The following is an entry in ClinVar:

ClinVar aggregate classification (germline): Uncertain significance (1 of 4 stars; one submission).

Submission:

Genetic Services Laboratory, University of Chicago
Classification: Uncertain significance. Last evaluated: 2020-02-05. Review status: criteria provided, single submitter. Criteria: ACMG Guidelines, 2015. Collection method: clinical testing. Allele origin: germline. Affected: no.
Comment: DNA sequence analysis of the POT1 gene demonstrated a sequence change, c.833T>C, in exon 10 that results in an amino acid change, p.Leu278Ser. This sequence change does not appear to have been previously described in patients with POT1-related disorders and has also not been described in population databases (gnomAD, ExAC). The p.Leu278Ser change affects a highly conserved amino acid residue located in a domain of the POT1 protein that is not known to be functional. The p.Leu278Ser substitution appears to be deleterious using several in-silico pathogenicity prediction tools (SIFT, PolyPhen2, Align GVGD, REVEL). Due to the lack of functional studies, the clinical significance of the p.Leu278Ser change remains unknown at this time.

NM_015450.3(POT1):c.833T>C (p.Leu278Ser)

Gene: POT1 (protection of telomeres 1; minus strand). Cytogenetic location: 7q31.33.
Variant type: single nucleotide variant.
Coding change: c.833T>C on transcript NM_015450.3 (MANE Select); coding-DNA position 833, T replaced by C.
Protein change: p.Leu278Ser; replaces leucine 278 with serine.
Molecular consequence: missense variant. On other transcripts: non-coding transcript variant (3).
Genome position (GRCh38, 1-based): chr7:124,853,008, A>G on the plus strand (T>C on the coding strand, the complement: POT1 is on the minus strand). VCF-style: chr7-124853008-A-G. GRCh37 (hg19) VCF-style: chr7-124493062-A-G.
Other names: c.440T>C, p.Leu147Ser (NM_001042594.2); short protein forms L147S, L278S.
Identifiers: ClinVar variation 1337539 (VCV001337539.4), dbSNP rs2116504491, ClinGen allele CA369055293.